The following is an entry in ClinVar:

ClinVar aggregate classification (germline): Uncertain significance. Review status: criteria provided, multiple submitters, no conflicts (2 of 4 stars). 2 submissions from 2 submitters: Uncertain significance (2). Last evaluated 2025-11-10.

Allele frequency attached by ClinVar (database versions not stated): ExAC 0.00012; gnomAD 0.00013 and 0.00014; gnomAD exomes 0.00014 and 0.00023; TOPMed 0.00014; ESP Exome Variant Server 0.00015; 1000 Genomes Project 30x 0.00016; 1000 Genomes Project 0.00020.
gnomAD v4.1: 348 of 1,612,854 alleles (0.022%); highest among the groups gnomAD compares: Non-Finnish European, 0.029%; no homozygotes.

Submissions (2):

Labcorp Genetics (formerly Invitae), Labcorp
Classification: Uncertain significance. Last evaluated: 2025-11-10. Review status: criteria provided, single submitter. Criteria: Invitae Variant Classification Sherloc (09022015). Collection method: clinical testing. Allele origin: germline.
Comment: This sequence change replaces tyrosine, which is neutral and polar, with cysteine, which is neutral and slightly polar, at codon 71 of the IL12RB2 protein (p.Tyr71Cys). This variant is present in population databases (rs200341672, gnomAD 0.03%). This variant has not been reported in the literature in individuals affected with IL12RB2-related conditions. ClinVar contains an entry for this variant (Variation ID: 1348845). An algorithm developed to predict the effect of missense changes on protein structure and function (PolyPhen-2) suggests that this variant is likely to be disruptive. In summary, the available evidence is currently insufficient to determine the role of this variant in disease. Therefore, it has been classified as a Variant of Uncertain Significance.

Ambry Genetics
Classification: Uncertain significance. Last evaluated: 2025-02-08. Review status: criteria provided, single submitter. Criteria: Ambry Variant Classification Scheme 2023. Collection method: clinical testing. Allele origin: germline.

NM_001374259.2(IL12RB2):c.212A>G (p.Tyr71Cys)

Gene: IL12RB2 (interleukin 12 receptor subunit beta 2; plus strand). Cytogenetic location: 1p31.3.
Variant type: single nucleotide variant.
Coding change: c.212A>G on transcript NM_001374259.2 (MANE Select); coding-DNA position 212, A replaced by G.
Protein change: p.Tyr71Cys; replaces tyrosine 71 with cysteine.
Molecular consequence: missense variant. On other transcripts: non-coding transcript variant (2).
Genome position (GRCh38, 1-based): chr1:67,321,737, A>G. VCF-style: chr1-67321737-A-G. GRCh37 (hg19) VCF-style: chr1-67787420-A-G.
Other names: c.212A>G (NM_001559.2); c.212A>G, p.Tyr71Cys (NM_001258214.1, NM_001258215.1, NM_001258216.1 and 2 more transcripts); short protein forms Y71C.
Identifiers: ClinVar variation 1348845 (VCV001348845.8), dbSNP rs200341672, ClinGen allele CA900145.
Genomic context (GRCh38, chr1:67,321,737, plus strand): 5'-GCTCTTTGAAGCCCAGACAAGGCTGCTTTCACTATTCCAGACGTAACAAGTTAATCCTGT[A>G]CAAGTTTGACAGAAGAATCAATTTTCACCATGGCCACTCCCTCAATTCTCAAGTCACAGG-3'
Protein context (NP_001361188.1, residues 61-81): HYSRRNKLIL[Tyr71Cys]KFDRRINFHH